The following is an entry in ClinVar:

ClinVar aggregate classification (germline): Pathogenic (1 of 4 stars; one submission).

Conditions:
Inborn genetic diseases. Identifiers: MedGen C0950123, MeSH D030342.

Submission:

Ambry Genetics
Classification: Pathogenic for Inborn genetic diseases. Last evaluated: 2022-12-30. Review status: criteria provided, single submitter. Criteria: Ambry Variant Classification Scheme 2023. Collection method: clinical testing. Allele origin: germline.
Comment: The c.554delA (p.K185Rfs*2) alteration, located in exon 4 (coding exon 3) of the CSF1R gene, consists of a deletion of one nucleotide at position 554, causing a translational frameshift with a predicted alternate stop codon after 2 amino acids. This alteration is expected to result in loss of function by premature protein truncation or nonsense-mediated mRNA decay._x000D_ _x000D_ Based on the available evidence, the CSF1R c.554delA (p.K185Rfs*2) alteration is classified as pathogenic for autosomal recessive brain abnormalities, neurodegeneration, and dysosteosclerosis; however, its clinical significance for autosomal dominant CSF1R-related diffuse leukoencephalopathy with spheroids is unclear. This variant was not reported in population-based cohorts in the Genome Aggregation Database (gnomAD). Based on the available evidence, this alteration is classified as pathogenic.

NM_001288705.3(CSF1R):c.554del (p.Lys185fs)

Gene: CSF1R (colony stimulating factor 1 receptor; minus strand). Cytogenetic location: 5q32.
Variant type: Deletion.
Coding change: c.554del on transcript NM_001288705.3 (MANE Select); coding-DNA position 554, one base deleted (A; older notation c.554delA).
Protein change: p.Lys185fs; shifts the reading frame from lysine 185.
Molecular consequence: frameshift variant. On other transcripts: non-coding transcript variant (2).
Genome position (GRCh38, 1-based): chr5:150,080,090, T deleted on the plus strand (A on the coding strand, the reverse complement: CSF1R is on the minus strand); the first of 2 consecutive T bases (chr5:150,080,090-150,080,091); deleting either gives the same sequence. VCF-style (leftmost placement, unchanged base first): chr5-150080089-CT-C. GRCh37 (hg19) VCF-style: chr5-149459652-CT-C.
Other names: c.554del, p.Lys185fs (NM_001349736.2, NM_001375320.1, NM_005211.4); c.110del, p.Lys37fs (NM_001375321.1); short protein forms K185fs, K37fs.
Identifiers: ClinVar variation 2230074 (VCV002230074.2), dbSNP rs1758458149, ClinGen allele CA1082861720.